The following is an entry in ClinVar:

ClinVar aggregate classification (germline): Uncertain significance (1 of 4 stars; one submission).

Conditions:
Primary dilated cardiomyopathy (DCM). Also called: Dilated Cardiomyopathy. Identifiers: Orphanet 217604, MedGen C0007193, MeSH D002311, MONDO:0005021, HP:0001644. Inheritance: Various modes of inheritance.

Allele frequency attached by ClinVar (database versions not stated): TOPMed 0.00001; gnomAD exomes 0.00002.
gnomAD v4.1: 11 of 1,613,216 alleles (0.00068%); highest among the groups gnomAD compares: Admixed American, 0.0033%; no homozygotes.

Submission:

Labcorp Genetics (formerly Invitae), Labcorp
Classification: Uncertain significance for Primary dilated cardiomyopathy. Last evaluated: 2025-07-28. Review status: criteria provided, single submitter. Criteria: Invitae Variant Classification Sherloc (09022015). Collection method: clinical testing. Allele origin: germline.
Comment: This sequence change replaces glycine, which is neutral and non-polar, with arginine, which is basic and polar, at codon 375 of the TXNRD2 protein (p.Gly375Arg). This variant is present in population databases (no rsID available, gnomAD 0.006%). This missense change has been observed in individual(s) with dilated cardiomyopathy (PMID: 21247928). ClinVar contains an entry for this variant (Variation ID: 1019846). Invitae Evidence Modeling of protein sequence and biophysical properties (such as structural, functional, and spatial information, amino acid conservation, physicochemical variation, residue mobility, and thermodynamic stability) indicates that this missense variant is expected to disrupt TXNRD2 protein function with a positive predictive value of 80%. In summary, the available evidence is currently insufficient to determine the role of this variant in disease. Therefore, it has been classified as a Variant of Uncertain Significance.

Literature cited by the submitters: PubMed 21247928.

NM_006440.5(TXNRD2):c.1123G>A (p.Gly375Arg)

Gene: TXNRD2 (thioredoxin reductase 2; minus strand). Cytogenetic location: 22q11.21.
Variant type: single nucleotide variant.
Coding change: c.1123G>A on transcript NM_006440.5 (MANE Select); coding-DNA position 1123, G replaced by A.
Protein change: p.Gly375Arg; replaces glycine 375 with arginine.
Molecular consequence: missense variant. On other transcripts: non-coding transcript variant (1).
Genome position (GRCh38, 1-based): chr22:19,880,681, C>T on the plus strand (G>A on the coding strand, the complement: TXNRD2 is on the minus strand). VCF-style: chr22-19880681-C-T. GRCh37 (hg19) VCF-style: chr22-19868204-C-T.
Other names: c.1120G>A, p.Gly374Arg (NM_001352300.2); c.1033G>A, p.Gly345Arg (NM_001352301.2); c.835G>A, p.Gly279Arg (NM_001352302.2); short protein forms G279R, G345R, G374R, G375R.
Identifiers: ClinVar variation 1019846 (VCV001019846.9), dbSNP rs757239766, ClinGen allele CA410681993.